The following is an entry in ClinVar:

ClinVar aggregate classification (germline): Uncertain significance (1 of 4 stars; one submission).

Conditions:
Emery-Dreifuss muscular dystrophy 4, autosomal dominant (EDMD4). Also called: EMERY-DREIFUSS MUSCULAR DYSTROPHY 4 WITH VARIABLE FEATURES. Identifiers: Orphanet 261, MedGen C2751807, MONDO:0013071, OMIM 612998.
Autosomal recessive ataxia, Beauce type. Also called: SYNE1 Deficiency; Spinocerebellar ataxia, autosomal recessive 8; ATAXIA, RECESSIVE, OF BEAUCE; SYNE1-Related Autosomal Recessive Cerebellar Ataxia. Identifiers: Orphanet 88644, MedGen C1853116, MONDO:0012549, OMIM 610743.

Submission:

Labcorp Genetics (formerly Invitae), Labcorp
Classification: Uncertain significance for Emery-Dreifuss muscular dystrophy 4, autosomal dominant; Autosomal recessive ataxia, Beauce type. Last evaluated: 2022-06-28. Review status: criteria provided, single submitter. Criteria: Invitae Variant Classification Sherloc (09022015). Collection method: clinical testing. Allele origin: germline.
Comment: This sequence change replaces leucine, which is neutral and non-polar, with phenylalanine, which is neutral and non-polar, at codon 1217 of the SYNE1 protein (p.Leu1217Phe). This variant is not present in population databases (gnomAD no frequency). This variant has not been reported in the literature in individuals affected with SYNE1-related conditions. Algorithms developed to predict the effect of missense changes on protein structure and function are either unavailable or do not agree on the potential impact of this missense change (SIFT: "Deleterious"; PolyPhen-2: "Probably Damaging"; Align-GVGD: "Class C0"). In summary, the available evidence is currently insufficient to determine the role of this variant in disease. Therefore, it has been classified as a Variant of Uncertain Significance.

NM_182961.4(SYNE1):c.3630A>T (p.Leu1210Phe)

Gene: SYNE1 (spectrin repeat containing nuclear envelope protein 1; minus strand). Cytogenetic location: 6q25.2.
Variant type: single nucleotide variant.
Coding change: c.3630A>T on transcript NM_182961.4 (MANE Select); coding-DNA position 3630, A replaced by T.
Protein change: p.Leu1210Phe; replaces leucine 1210 with phenylalanine.
Molecular consequence: missense variant.
Genome position (GRCh38, 1-based): chr6:152,447,497, T>A on the plus strand (A>T on the coding strand, the complement: SYNE1 is on the minus strand). VCF-style: chr6-152447497-T-A. GRCh37 (hg19) VCF-style: chr6-152768632-T-A.
Other names: c.3651A>T, p.Leu1217Phe (NM_033071.5); short protein forms L1217F, L1210F.
Identifiers: ClinVar variation 1968047 (VCV001968047.2), dbSNP rs2500819200, ClinGen allele CA366148214.